The following is an entry in ClinVar:

ClinVar aggregate classification (germline): Uncertain significance (1 of 4 stars; one submission).

Submission:

Labcorp Genetics (formerly Invitae), Labcorp
Classification: Uncertain significance. Last evaluated: 2023-10-25. Review status: criteria provided, single submitter. Criteria: Invitae Variant Classification Sherloc (09022015). Collection method: clinical testing. Allele origin: germline.
Comment: This variant, c.4330_4335dup, results in the insertion of 2 amino acid(s) of the DCHS1 protein (p.Ala1444_Leu1445dup), but otherwise preserves the integrity of the reading frame. This variant is present in population databases (rs778843574, gnomAD 0.004%). This variant has not been reported in the literature in individuals affected with DCHS1-related conditions. In summary, the available evidence is currently insufficient to determine the role of this variant in disease. Therefore, it has been classified as a Variant of Uncertain Significance.

NM_003737.4(DCHS1):c.4324GCGCTG[3] (p.Leu1445_Pro1446insAlaLeu)

Gene: DCHS1 (dachsous cadherin-related 1; minus strand). Cytogenetic location: 11p15.4.
Variant type: Microsatellite.
Coding change: c.4324GCGCTG[3] on transcript NM_003737.4 (MANE Select); three copies in a row of the 6-base unit GCGCTG starting at c.4324; the reference has two copies in a row; one copy, 6 bases duplicated.
Protein change: p.Leu1445_Pro1446insAlaLeu.
Molecular consequence: inframe insertion.
Genome position (GRCh38, 1-based): chr11:6,630,459-6,630,464, CAGCGC duplicated on the plus strand (GCGCTG on the coding strand, the reverse complement: DCHS1 is on the minus strand); duplicating any 6 consecutive bases within chr11:6,630,459-6,630,475 gives the same sequence; the position shown is the placement nearest the transcript's 3' end. VCF-style (leftmost placement, unchanged base first): chr11-6630458-G-GCAGCGC. GRCh37 (hg19) VCF-style: chr11-6651689-G-GCAGCGC.
Identifiers: ClinVar variation 2966585 (VCV002966585.3), dbSNP rs778843574, ClinGen allele CA5860349.